The following is an entry in ClinVar:

NM_004100.5(EYA4):c.891T>A (p.Asn297Lys)

Gene: EYA4 (EYA transcriptional coactivator and phosphatase 4; plus strand). Cytogenetic location: 6q23.2.
Variant type: single nucleotide variant.
Coding change: c.891T>A on transcript NM_004100.5 (MANE Select); coding-DNA position 891, T replaced by A.
Protein change: p.Asn297Lys; replaces asparagine 297 with lysine.
Molecular consequence: missense variant.
Genome position (GRCh38, 1-based): chr6:133,468,652, T>A. VCF-style: chr6-133468652-T-A. GRCh37 (hg19) VCF-style: chr6-133789790-T-A.
Other names: c.729T>A, p.Asn243Lys (NM_001301012.2, NM_001370459.1); c.891T>A, p.Asn297Lys (NM_001301013.2, NM_172105.4); c.822T>A, p.Asn274Lys (NM_001370458.1, NM_172103.4); short protein forms N274K, N297K, N243K.
Identifiers: ClinVar variation 3646573 (VCV003646573.2).

ClinVar aggregate classification (germline): Uncertain significance (1 of 4 stars; one submission).

Conditions:
Dilated cardiomyopathy 1J (CMD1J). Also called: CARDIOMYOPATHY, DILATED, WITH SENSORINEURAL HEARING LOSS, AUTOSOMAL DOMINANT. Identifiers: Orphanet 217622, MedGen C1854368, MONDO:0011541, OMIM 605362.

Submission:

Labcorp Genetics (formerly Invitae), Labcorp
Classification: Uncertain significance for Dilated cardiomyopathy 1J. Last evaluated: 2024-10-16. Review status: criteria provided, single submitter. Criteria: Invitae Variant Classification Sherloc (09022015). Collection method: clinical testing. Allele origin: germline.
Comment: This sequence change replaces asparagine, which is neutral and polar, with lysine, which is basic and polar, at codon 297 of the EYA4 protein (p.Asn297Lys). This variant is not present in population databases (gnomAD no frequency). This variant has not been reported in the literature in individuals affected with EYA4-related conditions. Invitae Evidence Modeling of protein sequence and biophysical properties (such as structural, functional, and spatial information, amino acid conservation, physicochemical variation, residue mobility, and thermodynamic stability) indicates that this missense variant is not expected to disrupt EYA4 protein function with a negative predictive value of 80%. In summary, the available evidence is currently insufficient to determine the role of this variant in disease. Therefore, it has been classified as a Variant of Uncertain Significance.